The following is an entry in ClinVar:

ClinVar aggregate classification (germline): Uncertain significance (1 of 4 stars; one submission).

Conditions:
Ataxia-telangiectasia syndrome (AT). Also called: Cerebello-oculocutaneous telangiectasia; Immunodeficiency with ataxia telangiectasia; Ataxia-telangiectasia, complementation group E; Ataxia-telangiectasia, complementation group D; LOUIS-BAR SYNDROME; AT, COMPLEMENTATION GROUP C. Identifiers: Orphanet 100, MedGen C0004135, MONDO:0008840, OMIM 208900.

Submission:

Labcorp Genetics (formerly Invitae), Labcorp
Classification: Uncertain significance for Ataxia-telangiectasia syndrome. Last evaluated: 2023-02-19. Review status: criteria provided, single submitter. Criteria: Invitae Variant Classification Sherloc (09022015). Collection method: clinical testing. Allele origin: germline.
Comment: This sequence change replaces aspartic acid, which is acidic and polar, with valine, which is neutral and non-polar, at codon 1067 of the ATM protein (p.Asp1067Val). In summary, the available evidence is currently insufficient to determine the role of this variant in disease. Therefore, it has been classified as a Variant of Uncertain Significance. An algorithm developed to predict the effect of missense changes on protein structure and function (PolyPhen-2) suggests that this variant is likely to be tolerated. This variant has not been reported in the literature in individuals affected with ATM-related conditions. This variant is not present in population databases (gnomAD no frequency).

NM_000051.4(ATM):c.3200A>T (p.Asp1067Val)

Gene: ATM (ATM serine/threonine kinase; plus strand). Cytogenetic location: 11q22.3.
Variant type: single nucleotide variant.
Coding change: c.3200A>T on transcript NM_000051.4 (MANE Select); coding-DNA position 3200, A replaced by T.
Protein change: p.Asp1067Val; replaces aspartic acid 1067 with valine.
Molecular consequence: missense variant.
Genome position (GRCh38, 1-based): chr11:108,272,768, A>T. VCF-style: chr11-108272768-A-T. GRCh37 (hg19) VCF-style: chr11-108143495-A-T.
Other names: c.3200A>T, p.Asp1067Val (NM_001351834.2); short protein forms D1067V.
Identifiers: ClinVar variation 2839047 (VCV002839047.3), dbSNP rs1591609662, ClinGen allele CA382515748.
Genomic context (GRCh38, chr11:108,272,768, plus strand): 5'-TTCTTTTCCCGTAGGCTGATCCTTATTCAAAATGGGCCATTCTTAATGTAATGGGAAAAG[A>T]CTTTCCTGTAAATGAAGTATTTACACAATTTCTTGCTGACAATCATCACCAAGTTCGCAT-3'
Protein context (NP_000042.3, residues 1057-1077): KWAILNVMGK[Asp1067Val]FPVNEVFTQF